The following is an entry in ClinVar:

ClinVar aggregate classification (germline): Uncertain significance (1 of 4 stars; one submission).

Conditions:
Wiedemann-Steiner syndrome (WDSTS). Also called: Growth deficiency and mental retardation with facial dysmorphism. Identifiers: Orphanet 319182, MedGen C1854630, MONDO:0011518, OMIM 605130.

Submission:

Pittsburgh Clinical Genomics Laboratory, University of Pittsburgh Medical Center
Classification: Uncertain significance for Wiedemann-Steiner syndrome. Last evaluated: 2023-01-19. Review status: criteria provided, single submitter. Criteria: ACMG Guidelines, 2015. Collection method: clinical testing. Allele origin: germline. Inheritance: Autosomal dominant inheritance. Affected: yes.
Comment: This sequence variant is a single nucleotide substitution (G>A) at coding position 1246 of the KMT2A gene that results in an alanine to threonine amino acid change at residue 416 of the KMT2A protein. This is a novel variant that is absent from an online database of clinically annotated variants (ClinVar) and the gnomAD control population database (0 of approximately 250,000 alleles). To our knowledge the variant has not been observed in an individual affected by a KMT2A-related disorder in the published literature. Likewise, studies examining the functiol consequence of this variant have not been published, to our knowledge. Multiple bioinformatic tools predict that this alanine to threonine amino acid change would be damaging, and the alanine residue is strongly conserved across the mammalian species examined. At this time, there is insufficient evidence to determine if this variant is pathogenic or benign. Therefore, we consider this a variant of uncertain significance. ACMG Criteria: PM2, PP3

NM_001197104.2(KMT2A):c.1246G>A (p.Ala416Thr)

Gene: KMT2A (lysine methyltransferase 2A; plus strand). Cytogenetic location: 11q23.3.
Variant type: single nucleotide variant.
Coding change: c.1246G>A on transcript NM_001197104.2 (MANE Select); coding-DNA position 1246, G replaced by A.
Protein change: p.Ala416Thr; replaces alanine 416 with threonine.
Molecular consequence: missense variant.
Genome position (GRCh38, 1-based): chr11:118,472,405, G>A. VCF-style: chr11-118472405-G-A. GRCh37 (hg19) VCF-style: chr11-118343120-G-A.
Other names: c.1345G>A, p.Ala449Thr (NM_001412597.1); c.1246G>A, p.Ala416Thr (NM_005933.4); short protein forms A416T, A449T.
Identifiers: ClinVar variation 3376189 (VCV003376189.1).